The following is an entry in ClinVar:

ClinVar aggregate classification (germline): Uncertain significance. Review status: criteria provided, multiple submitters, no conflicts (2 of 4 stars). 2 submissions from 2 submitters: Uncertain significance (2). Last evaluated 2025-08-11.

Conditions:
Hereditary cancer-predisposing syndrome. Also called: Neoplastic Syndromes, Hereditary; Tumor predisposition; Hereditary Cancer Syndrome; Hereditary neoplastic syndrome. Identifiers: Orphanet 140162, MedGen C0027672, MeSH D009386, MONDO:0015356.

Submissions (2):

Labcorp Genetics (formerly Invitae), Labcorp
Classification: Uncertain significance for Hereditary cancer-predisposing syndrome. Last evaluated: 2025-08-11. Review status: criteria provided, single submitter. Criteria: Invitae Variant Classification Sherloc (09022015). Collection method: clinical testing. Allele origin: germline.
Comment: This sequence change replaces serine, which is neutral and polar, with threonine, which is neutral and polar, at codon 106 of the RAD50 protein (p.Ser106Thr). This variant is not present in population databases (gnomAD no frequency). This variant has not been reported in the literature in individuals affected with RAD50-related conditions. ClinVar contains an entry for this variant (Variation ID: 482107). Invitae Evidence Modeling of protein sequence and biophysical properties (such as structural, functional, and spatial information, amino acid conservation, physicochemical variation, residue mobility, and thermodynamic stability) indicates that this missense variant is not expected to disrupt RAD50 protein function with a negative predictive value of 80%. In summary, the available evidence is currently insufficient to determine the role of this variant in disease. Therefore, it has been classified as a Variant of Uncertain Significance.

Ambry Genetics
Classification: Uncertain significance for Hereditary cancer-predisposing syndrome. Last evaluated: 2025-02-26. Review status: criteria provided, single submitter. Criteria: Ambry Variant Classification Scheme 2023. Collection method: clinical testing. Allele origin: germline.
Comment: The p.S106T variant (also known as c.317G>C), located in coding exon 3 of the RAD50 gene, results from a G to C substitution at nucleotide position 317. The serine at codon 106 is replaced by threonine, an amino acid with similar properties. This variant was not reported in population based cohorts in the following databases: Database of Single Nucleotide Polymorphisms (dbSNP), NHLBI Exome Sequencing Project (ESP), and 1000 Genomes Project. In the ESP, this variant was not observed in 6503 samples (13006 alleles) with coverage at this position. To date, this alteration has been detected with an allele frequency of approximately 0.001% (greater than 120000 alleles tested) in our clinical cohort. This amino acid position is not well conserved in available vertebrate species. In addition, this alteration is predicted to be tolerated by in silico analysis. Since supporting evidence is limited at this time, the clinical significance of this alteration remains unclear.

NM_005732.4(RAD50):c.317G>C (p.Ser106Thr)

Gene: RAD50 (RAD50 double strand break repair protein; plus strand). Cytogenetic location: 5q31.1.
Variant type: single nucleotide variant.
Coding change: c.317G>C on transcript NM_005732.4 (MANE Select); coding-DNA position 317, G replaced by C.
Protein change: p.Ser106Thr; replaces serine 106 with threonine.
Molecular consequence: missense variant.
Genome position (GRCh38, 1-based): chr5:132,575,880, G>C. VCF-style: chr5-132575880-G-C. GRCh37 (hg19) VCF-style: chr5-131911572-G-C.
Other names: short protein forms S106T.
Identifiers: ClinVar variation 482107 (VCV000482107.16), dbSNP rs1385187868, ClinGen allele CA360931125.